The following is an entry in ClinVar:

NM_001177316.2(SLC34A3):c.1053C>T (p.Arg351=)

Gene: SLC34A3 (solute carrier family 34 member 3; plus strand). Cytogenetic location: 9q34.3.
Variant type: single nucleotide variant.
Coding change: c.1053C>T on transcript NM_001177316.2 (MANE Select); coding-DNA position 1053, C replaced by T.
Protein change: p.Arg351=; no amino-acid change (arginine 351 retained).
Molecular consequence: synonymous variant.
Genome position (GRCh38, 1-based): chr9:137,234,236, C>T. VCF-style: chr9-137234236-C-T. GRCh37 (hg19) VCF-style: chr9-140128688-C-T.
Other names: c.1053C>T, p.Arg351= (NM_001177317.2, NM_080877.3); c.1053C>T (NM_080877.2).
Identifiers: ClinVar variation 2144471 (VCV002144471.6), dbSNP rs368516022, ClinGen allele CA5364740.

ClinVar aggregate classification (germline): Likely benign. Review status: criteria provided, multiple submitters, no conflicts (2 of 4 stars). 3 submissions from 3 submitters: Likely benign (3). Last evaluated 2026-01-16.

Conditions:
SLC34A3-related disorder. Also called: SLC34A3-related condition.

Allele frequency attached by ClinVar (database versions not stated): ESP Exome Variant Server 0.00008; TOPMed 0.00008.
gnomAD v4.1: 104 of 1,610,042 alleles (0.0065%); highest among the groups gnomAD compares: Non-Finnish European, 0.0086%; no homozygotes.

Submissions (3):

PreventionGenetics, part of Exact Sciences
Classification: Likely benign for SLC34A3-related condition. Last evaluated: 2026-01-16. Review status: criteria provided, single submitter. Criteria: ACMG Guidelines, 2015. Collection method: clinical testing. Allele origin: germline.
Comment: This variant is classified as likely benign based on ACMG/AMP sequence variant interpretation guidelines (Richards et al. 2015 PMID: 25741868, with internal and published modifications).

Labcorp Genetics (formerly Invitae), Labcorp
Classification: Likely benign. Last evaluated: 2025-06-27. Review status: criteria provided, single submitter. Criteria: Invitae Variant Classification Sherloc (09022015). Collection method: clinical testing. Allele origin: germline.

Blueprint Genetics
Classification: Likely benign. Last evaluated: 2024-02-12. Review status: criteria provided, single submitter. Criteria: ACMG Guidelines, 2015. Collection method: clinical testing. Allele origin: germline.